The following is an entry in ClinVar:

NM_018896.5(CACNA1G):c.5719G>T (p.Gly1907Trp)

Gene: CACNA1G (calcium voltage-gated channel subunit alpha1 G; plus strand). Cytogenetic location: 17q21.33.
Variant type: single nucleotide variant.
Coding change: c.5719G>T on transcript NM_018896.5 (MANE Select); coding-DNA position 5719, G replaced by T.
Protein change: p.Gly1907Trp; replaces glycine 1907 with tryptophan.
Molecular consequence: missense variant. On other transcripts: non-coding transcript variant (5).
Genome position (GRCh38, 1-based): chr17:50,618,946, G>T. VCF-style: chr17-50618946-G-T. GRCh37 (hg19) VCF-style: chr17-48696307-G-T.
Other names: p.Gly1907Trp; c.5617G>T, p.Gly1873Trp (NM_198387.3, NM_198396.3, NM_001256329.2 and 2 more transcripts); c.5596G>T, p.Gly1866Trp (NM_198388.3); c.5665G>T, p.Gly1889Trp (NM_001256324.2, NM_198386.3); c.5740G>T, p.Gly1914Trp (NM_001256325.2); c.5584G>T, p.Gly1862Trp (NM_001256326.2, NM_001256330.2); c.5698G>T, p.Gly1900Trp (NM_001256327.2); c.5644G>T, p.Gly1882Trp (NM_001256328.2); and 9 more; short protein forms G1850W, G1855W, G1869W, G1884W, G1862W, G1880W, G1914W, G1866W.
Identifiers: ClinVar variation 4542200 (VCV004542200.2).
Genomic context (GRCh38, chr17:50,618,946, plus strand): 5'-GGCAGCCCCTTCCTCTGGCCTGGGGTCGAGGGCCCCGACAGCCCCGACAGCCCCAAGCCT[G>T]GGGCTCTGCACCCAGCGGCCCACGCGAGATCAGCCTCCCACTTTTCCCTGGAGCACCCCA-3'
Protein context (NP_061496.2, residues 1897-1917): GPDSPDSPKP[Gly1907Trp]ALHPAAHARS

ClinVar aggregate classification (germline): Uncertain significance. Review status: criteria provided, multiple submitters, no conflicts (2 of 4 stars). 2 submissions from 2 submitters: Uncertain significance (2). Last evaluated 2025-08-04.

Conditions:
CACNA1G-related disorder. Also called: CACNA1G-related disorders; CACNA1G-related condition.

Submissions (2):

Mayo Clinic Laboratories, Mayo Clinic
Classification: Uncertain significance. Last evaluated: 2025-08-04. Review status: criteria provided, single submitter. Criteria: ACMG Guidelines, 2015. Collection method: clinical testing. Allele origin: germline. Observed: 1 variant allele.
Comment: PP2, PM2_supporting

PreventionGenetics, part of Exact Sciences
Classification: Uncertain significance for CACNA1G-related condition. Last evaluated: 2025-05-11. Review status: criteria provided, single submitter. Criteria: ACMG Guidelines, 2015. Collection method: clinical testing. Allele origin: germline.
Comment: The CACNA1G c.5719G>T variant is predicted to result in the amino acid substitution p.Gly1907Trp. To our knowledge, this variant has not been reported in the literature or in a large population database (gnomAD), indicating this variant is rare. At this time, the clinical significance of this variant is uncertain due to the absence of conclusive functional and genetic evidence.